The following is an entry in ClinVar:

NM_014391.3(ANKRD1):c.582C>G (p.Ser194Arg)

Gene: ANKRD1 (ankyrin repeat domain 1; minus strand). Cytogenetic location: 10q23.31.
Variant type: single nucleotide variant.
Coding change: c.582C>G on transcript NM_014391.3 (MANE Select); coding-DNA position 582, C replaced by G.
Protein change: p.Ser194Arg; replaces serine 194 with arginine.
Molecular consequence: missense variant.
Genome position (GRCh38, 1-based): chr10:90,916,240, G>C on the plus strand (C>G on the coding strand, the complement: ANKRD1 is on the minus strand). VCF-style: chr10-90916240-G-C. GRCh37 (hg19) VCF-style: chr10-92675997-G-C.
Other names: short protein forms S194R.
Identifiers: ClinVar variation 2449561 (VCV002449561.2), dbSNP rs1589509100, ClinGen allele CA377550853.

ClinVar aggregate classification (germline): Uncertain significance (1 of 4 stars; one submission).

Conditions:
Cardiovascular phenotype. Identifiers: MedGen CN230736.

Submission:

Ambry Genetics
Classification: Uncertain significance for Cardiovascular phenotype. Last evaluated: 2023-02-16. Review status: criteria provided, single submitter. Criteria: Ambry Variant Classification Scheme 2023. Collection method: clinical testing. Allele origin: germline.
Comment: The p.S194R variant (also known as c.582C>G), located in coding exon 6 of the ANKRD1 gene, results from a C to G substitution at nucleotide position 582. The serine at codon 194 is replaced by arginine, an amino acid with dissimilar properties. This amino acid position is conserved. In addition, the in silico prediction for this alteration is inconclusive. Since supporting evidence is limited at this time, the clinical significance of this alteration remains unclear.